The following is an entry in ClinVar:

ClinVar aggregate classification (germline): Uncertain significance. Review status: criteria provided, multiple submitters, no conflicts (2 of 4 stars). 2 submissions from 2 submitters: Uncertain significance (2). Last evaluated 2025-08-06.

Conditions:
Ataxia-telangiectasia syndrome (AT). Also called: LOUIS-BAR SYNDROME; Cerebello-oculocutaneous telangiectasia; Immunodeficiency with ataxia telangiectasia; Ataxia-telangiectasia, complementation group D; AT, COMPLEMENTATION GROUP C; ATAXIA-TELANGIECTASIA, COMPLEMENTATION GROUP A. Identifiers: Orphanet 100, MedGen C0004135, MONDO:0008840, OMIM 208900.
Hereditary cancer-predisposing syndrome. Also called: Tumor predisposition; Neoplastic Syndromes, Hereditary; Hereditary Cancer Syndrome; Hereditary neoplastic syndrome. Identifiers: Orphanet 140162, MedGen C0027672, MeSH D009386, MONDO:0015356.

Submissions (2):

Labcorp Genetics (formerly Invitae), Labcorp
Classification: Uncertain significance for Ataxia-telangiectasia syndrome. Last evaluated: 2025-08-06. Review status: criteria provided, single submitter. Criteria: Invitae Variant Classification Sherloc (09022015). Collection method: clinical testing. Allele origin: germline.
Comment: This sequence change replaces valine, which is neutral and non-polar, with alanine, which is neutral and non-polar, at codon 356 of the ATM protein (p.Val356Ala). This variant is not present in population databases (gnomAD no frequency). This variant has not been reported in the literature in individuals affected with ATM-related conditions. ClinVar contains an entry for this variant (Variation ID: 1782305). An algorithm developed to predict the effect of missense changes on protein structure and function (PolyPhen-2) suggests that this variant is likely to be tolerated. In summary, the available evidence is currently insufficient to determine the role of this variant in disease. Therefore, it has been classified as a Variant of Uncertain Significance.

Ambry Genetics
Classification: Uncertain significance for Hereditary cancer-predisposing syndrome. Last evaluated: 2023-03-02. Review status: criteria provided, single submitter. Criteria: Ambry Variant Classification Scheme 2023. Collection method: clinical testing. Allele origin: germline.
Comment: The p.V356A variant (also known as c.1067T>C), located in coding exon 8 of the ATM gene, results from a T to C substitution at nucleotide position 1067. The valine at codon 356 is replaced by alanine, an amino acid with similar properties. This amino acid position is not well conserved in available vertebrate species. In addition, this alteration is predicted to be tolerated by in silico analysis. Since supporting evidence is limited at this time, the clinical significance of this alteration remains unclear.

NM_000051.4(ATM):c.1067T>C (p.Val356Ala)

Gene: ATM (ATM serine/threonine kinase; plus strand). Cytogenetic location: 11q22.3.
Variant type: single nucleotide variant.
Coding change: c.1067T>C on transcript NM_000051.4 (MANE Select); coding-DNA position 1067, T replaced by C.
Protein change: p.Val356Ala; replaces valine 356 with alanine.
Molecular consequence: missense variant.
Genome position (GRCh38, 1-based): chr11:108,248,934, T>C. VCF-style: chr11-108248934-T-C. GRCh37 (hg19) VCF-style: chr11-108119661-T-C.
Other names: c.1067T>C, p.Val356Ala (NM_001351834.2); short protein forms V356A.
Identifiers: ClinVar variation 1782305 (VCV001782305.4), dbSNP rs2135289897, ClinGen allele CA382532313.